The following is an entry in ClinVar:

ClinVar aggregate classification (germline): Uncertain significance. Review status: criteria provided, multiple submitters, no conflicts (2 of 4 stars). 2 submissions from 2 submitters: Uncertain significance (2). Last evaluated 2022-11-08.

Conditions:
Inborn genetic diseases. Identifiers: MedGen C0950123, MeSH D030342.
Hereditary spastic paraplegia 2 (SPG2). Also called: SPASTIC PARAPLEGIA 2, X-LINKED; Spastic Paraplegia 2 (SPG2). Identifiers: Orphanet 99015, MedGen C0751604, MONDO:0010733, OMIM 312920.

Submissions (2):

Labcorp Genetics (formerly Invitae), Labcorp
Classification: Uncertain significance for Hereditary spastic paraplegia 2. Last evaluated: 2022-11-08. Review status: criteria provided, single submitter. Criteria: Invitae Variant Classification Sherloc (09022015). Collection method: clinical testing. Allele origin: germline.
Comment: In summary, the available evidence is currently insufficient to determine the role of this variant in disease. Therefore, it has been classified as a Variant of Uncertain Significance. Variants that disrupt the consensus splice site are a relatively common cause of aberrant splicing (PMID: 17576681, 9536098). Algorithms developed to predict the effect of sequence changes on RNA splicing suggest that this variant is not likely to affect RNA splicing. This variant has not been reported in the literature in individuals affected with PLP1-related conditions. This variant is not present in population databases (gnomAD no frequency). This sequence change falls in intron 1 of the PLP1 gene. It does not directly change the encoded amino acid sequence of the PLP1 protein. It affects a nucleotide within the consensus splice site.

Ambry Genetics
Classification: Uncertain significance for Inborn genetic diseases. Last evaluated: 2016-04-11. Review status: criteria provided, single submitter. Criteria: Ambry Variant Classification Scheme 2023. Collection method: clinical testing. Allele origin: germline.
Comment: The c.4+4A>C intronic variant results from an A to C substitution 4 nucleotides after coding exon 1 in the PLP1 gene. This nucleotide position is highly conserved in available vertebrate species. Using the BDGP and ESEfinder splice site prediction tools, this alteration is not predicted to have any significant effect on this splice donor site; however, direct evidence is unavailable. Since supporting evidence is limited at this time, the clinical significance of this variant remains unclear.

Literature cited by the submitters: PubMed 17576681 (cited by Labcorp Genetics (formerly Invitae), Labcorp); PubMed 9536098 (cited by Labcorp Genetics (formerly Invitae), Labcorp).

NM_000533.5(PLP1):c.4+4A>C

Genes: PLP1 (proteolipid protein 1; plus strand), RAB9B (RAB9B, member RAS oncogene family; minus strand). Cytogenetic location: Xq22.2.
Variant type: single nucleotide variant.
Coding change: c.4+4A>C on transcript NM_000533.5 (MANE Select); 4 bases into the intron after coding-DNA position 4, A replaced by C.
Molecular consequence: intron variant.
Genome position (GRCh38, 1-based): chrX:103,777,003, A>C. VCF-style: chrX-103777003-A-C. GRCh37 (hg19) VCF-style: chrX-103031931-A-C.
Other names: c.4+4A>C (NM_001128834.3, NM_199478.3, NM_001305004.1).
Identifiers: ClinVar variation 1736921 (VCV001736921.7), dbSNP rs2522269044, ClinGen allele CA2580100115.